The following is an entry in ClinVar:

NM_001267550.2(TTN):c.66589C>T (p.Arg22197Trp)

Genes: TTN-AS1 (TTN antisense RNA 1; plus strand), TTN (titin; minus strand). Cytogenetic location: 2q31.2.
Variant type: single nucleotide variant.
Coding change: c.66589C>T on transcript NM_001267550.2 (MANE Select); coding-DNA position 66589, C replaced by T.
Protein change: p.Arg22197Trp; replaces arginine 22197 with tryptophan.
Molecular consequence: missense variant.
Genome position (GRCh38, 1-based): chr2:178,581,679, G>A on the plus strand (C>T on the coding strand, the complement: TTN is on the minus strand). VCF-style: chr2-178581679-G-A. GRCh37 (hg19) VCF-style: chr2-179446406-G-A.
Other names: p.R20556W:CGG>TGG; c.61666C>T, p.Arg20556Trp (NM_001256850.1); c.39394C>T, p.Arg13132Trp (NM_003319.4); c.58885C>T, p.Arg19629Trp (NM_133378.4); c.39769C>T, p.Arg13257Trp (NM_133432.3); c.39970C>T, p.Arg13324Trp (NM_133437.4); short protein forms R20556W, R22197W, R13257W, R13324W, R13132W, R19629W.
Identifiers: ClinVar variation 202801 (VCV000202801.4), dbSNP rs774696610, ClinGen allele CA310331.

ClinVar aggregate classification (germline): Uncertain significance. Review status: criteria provided, multiple submitters, no conflicts (2 of 4 stars). 3 submissions from 3 submitters: Uncertain significance (3). Last evaluated 2026-07-10.

Conditions:
TTN-related disorder. Also called: TTN-related condition; TTN-related disease; TTN-related disorders.
Early-onset myopathy with fatal cardiomyopathy (CMYO5). Also called: Salih Myopathy; CONGENITAL MYOPATHY 5 WITH CARDIOMYOPATHY. Identifiers: Orphanet 289377, MedGen C2673677, MONDO:0012714, OMIM 611705. Disease mechanism: loss of function.
Dilated cardiomyopathy 1G (CMD1G). Identifiers: Orphanet 154, MedGen C1858763, MONDO:0011400, OMIM 604145.
Autosomal recessive limb-girdle muscular dystrophy type 2J (LGMDR10). Also called: Limb-girdle muscular dystrophy, type 2J; MUSCULAR DYSTROPHY, LIMB-GIRDLE, AUTOSOMAL RECESSIVE 10. Identifiers: Orphanet 140922, MedGen C1837342, MONDO:0012127, OMIM 608807.
Tibial muscular dystrophy (TMD). Also called: Tibial muscular dystrophy, tardive; Udd Distal Myopathy – Tibial Muscular Dystrophy; UDD MYOPATHY. Identifiers: Orphanet 609, MedGen C1838244, MONDO:0010870, OMIM 600334.
Myopathy, myofibrillar, 9, with early respiratory failure (MFM9). Also called: Myopathy, distal, with early respiratory failure, autosomal dominant; MYOPATHY, PROXIMAL, WITH EARLY RESPIRATORY MUSCLE INVOLVEMENT; Hereditary myopathy with early respiratory failure; EDSTROM MYOPATHY. Identifiers: Orphanet 178464, Orphanet 34521, MedGen C1863599, MONDO:0011362, OMIM 603689.
Hypertrophic cardiomyopathy 9. Also called: Familial hypertrophic cardiomyopathy 9. Identifiers: MedGen C1861065, MONDO:0013412, OMIM 613765.

Allele frequency attached by ClinVar (database versions not stated): gnomAD exomes below 0.00001 and 0.00001; ExAC 0.00003; TOPMed 0.00003; gnomAD 0.00005 and 0.00006.
gnomAD v4.1: 17 of 1,612,322 alleles (0.0011%); highest among the groups gnomAD compares: African/African-American, 0.012%; no homozygotes.

Submissions (3):

PreventionGenetics, part of Exact Sciences
Classification: Uncertain significance for TTN-related condition. Last evaluated: 2026-07-10. Review status: criteria provided, single submitter. Criteria: ACMG Guidelines, 2015. Collection method: clinical testing. Allele origin: germline.
Comment: The TTN c.66589C>T variant is predicted to result in the amino acid substitution p.Arg22197Trp. This variant has been reported in an individual with cardiomyopathy (Chakova et al. 2023.). This variant is reported in 0.021% of alleles in individuals of African descent in gnomAD. At this time, the clinical significance of this variant is uncertain due to the absence of conclusive functional and genetic evidence.

Fulgent Genetics
Classification: Uncertain significance for Tibial muscular dystrophy; Myopathy, myofibrillar, 9, with early respiratory failure; Dilated cardiomyopathy 1G; Autosomal recessive limb-girdle muscular dystrophy type 2J; Early-onset myopathy with fatal cardiomyopathy; Hypertrophic cardiomyopathy 9. Last evaluated: 2022-02-22. Review status: criteria provided, single submitter. Criteria: ACMG Guidelines, 2015. Collection method: clinical testing. Allele origin: unknown.

GeneDx
Classification: Uncertain significance. Last evaluated: 2015-09-24. Review status: criteria provided, single submitter. Criteria: GeneDx Variant Classification (06012015). Collection method: clinical testing. Allele origin: germline. Affected: yes.
Comment: Missense variants in the TTN gene are considered 'unclassified' if they are not previously reported in the literature and do not have >1% frequency in the population to be considered a polymorphism. Research indicates that truncating mutations in the TTN gene are expected to account for approximately 25% of familial and 18% of sporadic idiopathic DCM; however, truncating variants in the TTN gene have been reported in approximately 3% of reported control alleles. There has been little investigation into non-truncating variants. (Herman D et al. Truncations of titin causing dilated cardiomyopathy. N Eng J Med 366:619-628, 2012) The variant is found in CARDIOMYOPATHY panel(s).